The following is an entry in ClinVar:

NM_030662.4(MAP2K2):c.1185del (p.Thr396fs)

Gene: MAP2K2 (mitogen-activated protein kinase kinase 2; minus strand). Cytogenetic location: 19p13.3.
Variant type: Deletion.
Coding change: c.1185del on transcript NM_030662.4 (MANE Select); coding-DNA position 1185, one base deleted (C; older notation c.1185delC).
Protein change: p.Thr396fs; shifts the reading frame from threonine 396.
Molecular consequence: frameshift variant.
Genome position (GRCh38, 1-based): chr19:4,090,616, G deleted on the plus strand (C on the coding strand, the reverse complement: MAP2K2 is on the minus strand); the first of 3 consecutive G bases (chr19:4,090,616-4,090,618); deleting any one gives the same sequence. VCF-style (leftmost placement, unchanged base first): chr19-4090615-TG-T. GRCh37 (hg19) VCF-style: chr19-4090613-TG-T.
Other names: short protein forms T396fs.
Identifiers: ClinVar variation 1037390 (VCV001037390.6), dbSNP rs2040845949, ClinGen allele CA2319219747.
Genomic context (GRCh38, chr19:4,090,615, plus strand): 5'-CGGTGGGCAGGTCACCAGCGGGACGCAGGGAGCCCGGCCACTGTCACACGGCGGTGCGCG[TG>T]GGTGTGCCGGGCTGGTTCAGCCGCAGGGTTTTACACAACCAGCCGGCAAAATCCACTTCT-3'

ClinVar aggregate classification (germline): Uncertain significance (1 of 4 stars; one submission).

Conditions:
RASopathy. Also called: rasopathies; Noonan spectrum disorder. Identifiers: Orphanet 536391, MedGen C5555857, MONDO:0021060.

Submission:

Labcorp Genetics (formerly Invitae), Labcorp
Classification: Uncertain significance for RASopathy. Last evaluated: 2022-07-06. Review status: criteria provided, single submitter. Criteria: Invitae Variant Classification Sherloc (09022015). Collection method: clinical testing. Allele origin: germline.
Comment: ClinVar contains an entry for this variant (Variation ID: 1037390). This sequence change creates a premature translational stop signal (p.Thr396Argfs*30) in the MAP2K2 gene. While this is not anticipated to result in nonsense mediated decay, it is expected to disrupt the last 5 amino acid(s) of the MAP2K2 protein. This variant is not present in population databases (gnomAD no frequency). This variant has not been reported in the literature in individuals affected with MAP2K2-related conditions. Experimental studies and prediction algorithms are not available or were not evaluated, and the functional significance of this variant is currently unknown. In summary, the available evidence is currently insufficient to determine the role of this variant in disease. Therefore, it has been classified as a Variant of Uncertain Significance.